The following is an entry in ClinVar:

NM_001164665.2(KIAA1549):c.3269C>T (p.Thr1090Met)

Gene: KIAA1549 (KIAA1549; minus strand). Cytogenetic location: 7q34.
Variant type: single nucleotide variant.
Coding change: c.3269C>T on transcript NM_001164665.2 (MANE Select); coding-DNA position 3269, C replaced by T.
Protein change: p.Thr1090Met; replaces threonine 1090 with methionine.
Molecular consequence: missense variant.
Genome position (GRCh38, 1-based): chr7:138,908,998, G>A on the plus strand (C>T on the coding strand, the complement: KIAA1549 is on the minus strand). VCF-style: chr7-138908998-G-A. GRCh37 (hg19) VCF-style: chr7-138593744-G-A.
Other names: c.3269C>T, p.Thr1090Met (NM_020910.3); c.3269C>T (NM_001164665.1); short protein forms T1090M.
Identifiers: ClinVar variation 1000299 (VCV001000299.11), dbSNP rs377595061, ClinGen allele CA4506278.

ClinVar aggregate classification (germline): Uncertain significance. Review status: criteria provided, multiple submitters, no conflicts (2 of 4 stars). 3 submissions from 3 submitters: Uncertain significance (3). Last evaluated 2025-09-17.

Conditions:
Inborn genetic diseases. Identifiers: MedGen C0950123, MeSH D030342.

Allele frequency attached by ClinVar (database versions not stated): ESP Exome Variant Server 0.00008; TOPMed 0.00009; 1000 Genomes Project 30x 0.00016.
gnomAD v4.1: 39 of 1,613,954 alleles (0.0024%); highest among the groups gnomAD compares: African/African-American, 0.031%; no homozygotes.

Submissions (3):

Labcorp Genetics (formerly Invitae), Labcorp
Classification: Uncertain significance. Last evaluated: 2025-09-17. Review status: criteria provided, single submitter. Criteria: Invitae Variant Classification Sherloc (09022015). Collection method: clinical testing. Allele origin: germline.
Comment: This sequence change replaces threonine, which is neutral and polar, with methionine, which is neutral and non-polar, at codon 1090 of the KIAA1549 protein (p.Thr1090Met). This variant is present in population databases (rs377595061, gnomAD 0.05%). This variant has not been reported in the literature in individuals affected with KIAA1549-related conditions. ClinVar contains an entry for this variant (Variation ID: 1000299). An algorithm developed to predict the effect of missense changes on protein structure and function (PolyPhen-2) suggests that this variant is likely to be disruptive. In summary, the available evidence is currently insufficient to determine the role of this variant in disease. Therefore, it has been classified as a Variant of Uncertain Significance.

Ambry Genetics
Classification: Uncertain significance for Inborn genetic diseases. Last evaluated: 2025-07-15. Review status: criteria provided, single submitter. Criteria: Ambry Variant Classification Scheme 2023. Collection method: clinical testing. Allele origin: germline.

Blueprint Genetics
Classification: Uncertain significance. Last evaluated: 2022-02-14. Review status: criteria provided, single submitter. Criteria: ACMG Guidelines, 2015. Collection method: clinical testing. Allele origin: germline.